The following is an entry in ClinVar:

NM_001130144.3(LTBP3):c.3355C>G (p.Arg1119Gly)

Genes: LTBP3 (latent transforming growth factor beta binding protein 3; minus strand), LOC130006027 (ATAC-STARR-seq lymphoblastoid silent region 3530; plus strand). Cytogenetic location: 11q13.1.
Variant type: single nucleotide variant.
Coding change: c.3355C>G on transcript NM_001130144.3 (MANE Select); coding-DNA position 3355, C replaced by G.
Protein change: p.Arg1119Gly; replaces arginine 1119 with glycine.
Molecular consequence: missense variant. On other transcripts: intron variant (2).
Genome position (GRCh38, 1-based): chr11:65,540,043, G>C on the plus strand (C>G on the coding strand, the complement: LTBP3 is on the minus strand). VCF-style: chr11-65540043-G-C. GRCh37 (hg19) VCF-style: chr11-65307514-G-C.
Other names: c.2894-162C>G (NM_001164266.1); c.3245-162C>G (NM_021070.4); short protein forms R1119G.
Identifiers: ClinVar variation 2145195 (VCV002145195.4), dbSNP rs1459646851, ClinGen allele CA381267074.

ClinVar aggregate classification (germline): Uncertain significance (1 of 4 stars; one submission).

Conditions:
Brachyolmia-amelogenesis imperfecta syndrome. Also called: Tooth agenesis, selective, 6; Dental anomalies and short stature; PLATYSPONDYLY WITH AMELOGENESIS IMPERFECTA. Identifiers: Orphanet 2899, MedGen C1832594, MONDO:0011018, OMIM 601216. Disease mechanism: loss of function.

gnomAD v4.1: 4 of 1,516,250 alleles (0.00026%); highest among the groups gnomAD compares: Middle Eastern, 0.039%; no homozygotes.

Submission:

Labcorp Genetics (formerly Invitae), Labcorp
Classification: Uncertain significance for Brachyolmia-amelogenesis imperfecta syndrome. Last evaluated: 2022-02-07. Review status: criteria provided, single submitter. Criteria: Invitae Variant Classification Sherloc (09022015). Collection method: clinical testing. Allele origin: germline.
Comment: Algorithms developed to predict the effect of missense changes on protein structure and function (SIFT, PolyPhen-2, Align-GVGD) all suggest that this variant is likely to be tolerated. In summary, the available evidence is currently insufficient to determine the role of this variant in disease. Therefore, it has been classified as a Variant of Uncertain Significance. This sequence change replaces arginine, which is basic and polar, with glycine, which is neutral and non-polar, at codon 1119 of the LTBP3 protein (p.Arg1119Gly). This variant is not present in population databases (gnomAD no frequency). This variant has not been reported in the literature in individuals affected with LTBP3-related conditions.